The following is an entry in ClinVar:

NM_016123.4(IRAK4):c.392A>T (p.Asp131Val)

Gene: IRAK4 (interleukin 1 receptor associated kinase 4; plus strand). Cytogenetic location: 12q12.
Variant type: single nucleotide variant.
Coding change: c.392A>T on transcript NM_016123.4 (MANE Select); coding-DNA position 392, A replaced by T.
Protein change: p.Asp131Val; replaces aspartic acid 131 with valine.
Molecular consequence: missense variant. On other transcripts: 5 prime UTR variant (2).
Genome position (GRCh38, 1-based): chr12:43,772,264, A>T. VCF-style: chr12-43772264-A-T. GRCh37 (hg19) VCF-style: chr12-44166067-A-T.
Other names: c.392A>T, p.Asp131Val (NM_001114182.3, NM_001351345.2); c.20A>T, p.Asp7Val (NM_001145256.2, NM_001145257.2, NM_001145258.2 and 5 more transcripts); c.-132A>T (NM_001351343.2, NM_001351344.2); short protein forms D131V, D7V.
Identifiers: ClinVar variation 1002731 (VCV001002731.9), dbSNP rs757025762, ClinGen allele CA384469168.

ClinVar aggregate classification (germline): Uncertain significance (1 of 4 stars; one submission).

Conditions:
Immunodeficiency 67. Also called: Immunodeficiency due to interleukin-1 receptor-associated kinase-4 deficiency. Identifiers: Orphanet 70592, MedGen C1843256, MONDO:0011888, OMIM 607676.

Submission:

Labcorp Genetics (formerly Invitae), Labcorp
Classification: Uncertain significance for Immunodeficiency 67. Last evaluated: 2020-08-16. Review status: criteria provided, single submitter. Criteria: Invitae Variant Classification Sherloc (09022015). Collection method: clinical testing. Allele origin: germline.
Comment: In summary, the available evidence is currently insufficient to determine the role of this variant in disease. Therefore, it has been classified as a Variant of Uncertain Significance. Algorithms developed to predict the effect of missense changes on protein structure and function output the following: SIFT: "Tolerated"; PolyPhen-2: "Benign"; Align-GVGD: "Class C0". The valine amino acid residue is found in multiple mammalian species, suggesting that this missense change does not adversely affect protein function. These predictions have not been confirmed by published functional studies and their clinical significance is uncertain. This variant has not been reported in the literature in individuals with IRAK4-related conditions. This variant is not present in population databases (ExAC no frequency). This sequence change replaces aspartic acid with valine at codon 131 of the IRAK4 protein (p.Asp131Val). The aspartic acid residue is weakly conserved and there is a large physicochemical difference between aspartic acid and valine.